The following is an entry in ClinVar:

NM_001256545.2(MEGF10):c.2785A>G (p.Ser929Gly)

Gene: MEGF10 (multiple EGF like domains 10; plus strand). Cytogenetic location: 5q23.2.
Variant type: single nucleotide variant.
Coding change: c.2785A>G on transcript NM_001256545.2 (MANE Select); coding-DNA position 2785, A replaced by G.
Protein change: p.Ser929Gly; replaces serine 929 with glycine.
Molecular consequence: missense variant.
Genome position (GRCh38, 1-based): chr5:127,447,613, A>G. VCF-style: chr5-127447613-A-G. GRCh37 (hg19) VCF-style: chr5-126783305-A-G.
Other names: c.2785A>G, p.Ser929Gly (NM_032446.3); short protein forms S929G.
Identifiers: ClinVar variation 1938920 (VCV001938920.5), dbSNP rs1561653221, ClinGen allele CA360735164.

ClinVar aggregate classification (germline): Uncertain significance (1 of 4 stars; one submission).

Conditions:
MEGF10-related myopathy (CMYO10A). Also called: Congenital myopathy 10A, severe variant. Identifiers: Orphanet 439212, MedGen C3280679, MONDO:0013731, OMIM 614399.

Submission:

Labcorp Genetics (formerly Invitae), Labcorp
Classification: Uncertain significance for MEGF10-related myopathy. Last evaluated: 2023-04-01. Review status: criteria provided, single submitter. Criteria: Invitae Variant Classification Sherloc (09022015). Collection method: clinical testing. Allele origin: germline.
Comment: This sequence change replaces serine, which is neutral and polar, with glycine, which is neutral and non-polar, at codon 929 of the MEGF10 protein (p.Ser929Gly). This variant is not present in population databases (gnomAD no frequency). This variant has not been reported in the literature in individuals affected with MEGF10-related conditions. ClinVar contains an entry for this variant (Variation ID: 1938920). An algorithm developed to predict the effect of missense changes on protein structure and function (PolyPhen-2) suggests that this variant is likely to be disruptive. In summary, the available evidence is currently insufficient to determine the role of this variant in disease. Therefore, it has been classified as a Variant of Uncertain Significance.